The following is an entry in ClinVar:

NM_024422.6(DSC2):c.1793A>G (p.Asp598Gly)

Gene: DSC2 (desmocollin 2; minus strand). Cytogenetic location: 18q12.1.
Variant type: single nucleotide variant.
Coding change: c.1793A>G on transcript NM_024422.6 (MANE Select); coding-DNA position 1793, A replaced by G.
Protein change: p.Asp598Gly; replaces aspartic acid 598 with glycine.
Molecular consequence: missense variant.
Genome position (GRCh38, 1-based): chr18:31,074,778, T>C on the plus strand (A>G on the coding strand, the complement: DSC2 is on the minus strand). VCF-style: chr18-31074778-T-C. GRCh37 (hg19) VCF-style: chr18-28654744-T-C.
Other names: c.1364A>G, p.Asp455Gly (NM_001406506.1, NM_001406507.1); c.1793A>G, p.Asp598Gly (NM_004949.5); short protein forms D455G, D598G.
Identifiers: ClinVar variation 3902933 (VCV003902933.1).

ClinVar aggregate classification (germline): Uncertain significance (1 of 4 stars; one submission).

Submission:

GeneDx
Classification: Uncertain significance. Last evaluated: 2024-12-13. Review status: criteria provided, single submitter. Criteria: GeneDx Variant Classification Process June 2021. Collection method: clinical testing. Allele origin: germline. Affected: yes.
Comment: Not observed at significant frequency in large population cohorts (gnomAD); In silico analysis supports that this missense variant has a deleterious effect on protein structure/function; Has not been previously published as pathogenic or benign to our knowledge